The following is an entry in ClinVar:

NM_003482.4(KMT2D):c.7538G>C (p.Gly2513Ala)

Gene: KMT2D (lysine methyltransferase 2D; minus strand). Cytogenetic location: 12q13.12.
Variant type: single nucleotide variant.
Coding change: c.7538G>C on transcript NM_003482.4 (MANE Select); coding-DNA position 7538, G replaced by C.
Protein change: p.Gly2513Ala; replaces glycine 2513 with alanine.
Molecular consequence: missense variant.
Genome position (GRCh38, 1-based): chr12:49,040,232, C>G on the plus strand (G>C on the coding strand, the complement: KMT2D is on the minus strand). VCF-style: chr12-49040232-C-G. GRCh37 (hg19) VCF-style: chr12-49434015-C-G.
Other names: short protein forms G2513A.
Identifiers: ClinVar variation 2119035 (VCV002119035.4), dbSNP rs1943441906, ClinGen allele CA384747505.

ClinVar aggregate classification (germline): Uncertain significance (1 of 4 stars; one submission).

Conditions:
Kabuki syndrome. Also called: Kabuki make-up syndrome; NIIKAWA-KUROKI SYNDROME. Identifiers: Orphanet 2322, MedGen C0796004, MONDO:0016512.

Submission:

Labcorp Genetics (formerly Invitae), Labcorp
Classification: Uncertain significance for Kabuki syndrome. Last evaluated: 2022-03-28. Review status: criteria provided, single submitter. Criteria: Invitae Variant Classification Sherloc (09022015). Collection method: clinical testing. Allele origin: germline.
Comment: This sequence change replaces glycine, which is neutral and non-polar, with alanine, which is neutral and non-polar, at codon 2513 of the KMT2D protein (p.Gly2513Ala). This variant is not present in population databases (gnomAD no frequency). In summary, the available evidence is currently insufficient to determine the role of this variant in disease. Therefore, it has been classified as a Variant of Uncertain Significance. Advanced modeling of protein sequence and biophysical properties (such as structural, functional, and spatial information, amino acid conservation, physicochemical variation, residue mobility, and thermodynamic stability) performed at Invitae indicates that this missense variant is not expected to disrupt KMT2D protein function. This variant has not been reported in the literature in individuals affected with KMT2D-related conditions.